The following is an entry in ClinVar:

NM_153365.3(TAPT1):c.917-148_917-147insACACATATATATATATATATATATAT

Gene: TAPT1 (transmembrane anterior posterior transformation 1; minus strand). Cytogenetic location: 4p15.32.
Variant type: Microsatellite.
Coding change: c.917-148_917-147insACACATATATATATATATATATATAT on transcript NM_153365.3 (MANE Select); 148 bases into the intron before coding-DNA position 917 through 147 bases into the intron before coding-DNA position 917, ACACATATATATATATATATATATAT inserted.
Molecular consequence: intron variant.
Genome position: GRCh38 VCF-style: chr4-16179804-G-GTGTGTATATATATATATATATATATA. GRCh37 (hg19) VCF-style: chr4-16181427-G-GTGTGTATATATATATATATATATATA.
Identifiers: ClinVar variation 2500614 (VCV002500614.1), dbSNP rs1234531451.

ClinVar aggregate classification (germline): Likely benign (1 of 4 stars; one submission).

Submission:

GeneDx
Classification: Likely benign. Last evaluated: 2019-09-15. Review status: criteria provided, single submitter. Criteria: GeneDx Variant Classification Process June 2021. Collection method: clinical testing. Allele origin: germline. Affected: yes.
Comment: See Variant Classification Assertion Criteria.